The following is an entry in ClinVar:

NM_002878.4(RAD51D):c.563C>T (p.Thr188Ile)

Genes: RAD51D (RAD51 paralog D; minus strand), RAD51L3-RFFL (RAD51L3-RFFL readthrough; minus strand). Cytogenetic location: 17q12.
Variant type: single nucleotide variant.
Coding change: c.563C>T on transcript NM_002878.4 (MANE Select); coding-DNA position 563, C replaced by T.
Protein change: p.Thr188Ile; replaces threonine 188 with isoleucine.
Molecular consequence: missense variant. On other transcripts: non-coding transcript variant (3).
Genome position (GRCh38, 1-based): chr17:35,106,399, G>A on the plus strand (C>T on the coding strand, the complement: RAD51D is on the minus strand). VCF-style: chr17-35106399-G-A. GRCh37 (hg19) VCF-style: chr17-33433418-G-A.
Other names: c.623C>T, p.Thr208Ile (NM_001142571.2); c.227C>T, p.Thr76Ile (NM_133629.3); short protein forms T188I, T76I, T208I.
Identifiers: ClinVar variation 3000425 (VCV003000425.6), dbSNP rs2142428909, ClinGen allele CA399088576.
Genomic context (GRCh38, chr17:35,106,399, plus strand): 5'-ACCTAGAAAGCTGAATTAAGCAAGGAGGGGCAGAACAGCAGGCTCACCTGCTGGGCCACA[G>A]TGCCTCGGAGCTCCTGCAGCACATCCAGCATCTGGAAGATGTCAAATGCATGCACCACCT-3'
Protein context (NP_002869.3, residues 178-198): MLDVLQELRG[Thr188Ile]VAQQVTGSSG

ClinVar aggregate classification (germline): Uncertain significance. Review status: criteria provided, multiple submitters, no conflicts (2 of 4 stars). 4 submissions from 4 submitters: Uncertain significance (4). Last evaluated 2025-09-15.

Conditions:
Breast-ovarian cancer, familial, susceptibility to, 4. Identifiers: Orphanet 145, MedGen C3280345, MONDO:0013669, OMIM 614291.
Hereditary cancer-predisposing syndrome. Also called: Neoplastic Syndromes, Hereditary; Tumor predisposition; Hereditary Cancer Syndrome; Hereditary neoplastic syndrome. Identifiers: Orphanet 140162, MedGen C0027672, MeSH D009386, MONDO:0015356.

Submissions (4):

Labcorp Genetics (formerly Invitae), Labcorp
Classification: Uncertain significance for Breast-ovarian cancer, familial, susceptibility to, 4. Last evaluated: 2025-09-15. Review status: criteria provided, single submitter. Criteria: Invitae Variant Classification Sherloc (09022015). Collection method: clinical testing. Allele origin: germline.
Comment: This sequence change replaces threonine, which is neutral and polar, with isoleucine, which is neutral and non-polar, at codon 188 of the RAD51D protein (p.Thr188Ile). This variant is not present in population databases (gnomAD no frequency). This variant has not been reported in the literature in individuals affected with RAD51D-related conditions. ClinVar contains an entry for this variant (Variation ID: 3000425). An algorithm developed to predict the effect of missense changes on protein structure and function (PolyPhen-2) suggests that this variant is likely to be tolerated. In summary, the available evidence is currently insufficient to determine the role of this variant in disease. Therefore, it has been classified as a Variant of Uncertain Significance.

Ambry Genetics
Classification: Uncertain significance for Hereditary cancer-predisposing syndrome. Last evaluated: 2025-05-11. Review status: criteria provided, single submitter. Criteria: Ambry Variant Classification Scheme 2023. Collection method: clinical testing. Allele origin: germline.
Comment: The p.T188I variant (also known as c.563C>T), located in coding exon 6 of the RAD51D gene, results from a C to T substitution at nucleotide position 563. The threonine at codon 188 is replaced by isoleucine, an amino acid with similar properties. This amino acid position is conserved. In addition, this alteration is predicted to be tolerated by in silico analysis. Based on the available evidence, the clinical significance of this variant remains unclear.

Color Diagnostics, LLC DBA Color Health
Classification: Uncertain significance for Hereditary cancer-predisposing syndrome. Last evaluated: 2024-06-12. Review status: criteria provided, single submitter. Criteria: ACMG Guidelines, 2015. Collection method: clinical testing. Allele origin: germline.
Comment: This missense variant replaces threonine with isoleucine at codon 188 of the RAD51D protein. Computational prediction suggests that this variant may not impact protein structure and function (internally defined REVEL score threshold <= 0.5, PMID: 27666373). To our knowledge, functional studies have not been reported for this variant. This variant has not been reported in individuals affected with RAD51D-related disorders in the literature. This variant has not been identified in the general population by the Genome Aggregation Database (gnomAD). The available evidence is insufficient to determine the role of this variant in disease conclusively. Therefore, this variant is classified as a Variant of Uncertain Significance.

Blueprint Genetics
Classification: Uncertain significance. Last evaluated: 2024-03-14. Review status: criteria provided, single submitter. Criteria: ACMG Guidelines, 2015. Collection method: clinical testing. Allele origin: germline.